The following is an entry in ClinVar:

NM_000346.4(SOX9):c.686-20T>A

Gene: SOX9 (SRY-box transcription factor 9; plus strand). Cytogenetic location: 17q24.3.
Variant type: single nucleotide variant.
Coding change: c.686-20T>A on transcript NM_000346.4 (MANE Select); 20 bases into the intron before coding-DNA position 686, T replaced by A.
Molecular consequence: intron variant.
Genome position (GRCh38, 1-based): chr17:72,123,523, T>A. VCF-style: chr17-72123523-T-A. GRCh37 (hg19) VCF-style: chr17-70119664-T-A.
Identifiers: ClinVar variation 5005801 (VCV005005801.2).

ClinVar aggregate classification (germline): Uncertain significance (1 of 4 stars; one submission).

Conditions:
Camptomelic dysplasia (CMPD). Also called: CMPD1/SRA1; Campomelic Dysplasia. Identifiers: Orphanet 140, MedGen C1861922, MONDO:0007251, OMIM 114290.

Submission:

Juno Genomics, Hangzhou Juno Genomics, Inc
Classification: Uncertain significance for Camptomelic dysplasia. Review status: criteria provided, single submitter. Criteria: ACMG Guidelines, 2015. Collection method: clinical testing. Allele origin: germline.
Comment: Absent from controls (or at extremely low frequency if recessive) in Genome Aggregation Database.;Multiple lines of computational evidence support a deleterious effect on the gene or gene product.